The following is an entry in ClinVar:

ClinVar aggregate classification (germline): Uncertain significance. Review status: criteria provided, multiple submitters, no conflicts (2 of 4 stars). 2 submissions from 2 submitters: Uncertain significance (2). Last evaluated 2025-12-16.

Conditions:
Inborn genetic diseases. Identifiers: MedGen C0950123, MeSH D030342.
Short-rib thoracic dysplasia 7 with or without polydactyly (SRTD7). Also called: Short rib polydactyly syndrome 5; SHORT-RIB THORACIC DYSPLASIA 7 WITH POLYDACTYLY. Identifiers: Orphanet 498497, Orphanet 93271, MedGen C3279792, MONDO:0013569, OMIM 614091.
Cranioectodermal dysplasia 2 (CED2). Identifiers: Orphanet 1515, MedGen C3150874, MONDO:0013323, OMIM 613610.

Allele frequency attached by ClinVar (database versions not stated): gnomAD 0.00001 and 0.00003; TOPMed 0.00003; ExAC 0.00007; ESP Exome Variant Server 0.00008; gnomAD exomes 0.00008.
gnomAD v4.1: 68 of 1,613,216 alleles (0.0042%); highest among the groups gnomAD compares: South Asian, 0.038%; 1 homozygote.

Submissions (2):

Labcorp Genetics (formerly Invitae), Labcorp
Classification: Uncertain significance for Cranioectodermal dysplasia 2; Short-rib thoracic dysplasia 7 with or without polydactyly. Last evaluated: 2025-12-16. Review status: criteria provided, single submitter. Criteria: Invitae Variant Classification Sherloc (09022015). Collection method: clinical testing. Allele origin: germline.
Comment: This sequence change replaces arginine, which is basic and polar, with tryptophan, which is neutral and slightly polar, at codon 938 of the WDR35 protein (p.Arg938Trp). This variant is present in population databases (rs149815363, gnomAD 0.04%), including at least one homozygous and/or hemizygous individual. This variant has not been reported in the literature in individuals affected with WDR35-related conditions. ClinVar contains an entry for this variant (Variation ID: 1431548). Invitae Evidence Modeling of protein sequence and biophysical properties (such as structural, functional, and spatial information, amino acid conservation, physicochemical variation, residue mobility, and thermodynamic stability) has been performed for this missense variant. However, the output from this modeling did not meet the statistical confidence thresholds required to predict the impact of this variant on WDR35 protein function. In summary, the available evidence is currently insufficient to determine the role of this variant in disease. Therefore, it has been classified as a Variant of Uncertain Significance.

Ambry Genetics
Classification: Uncertain significance for Inborn genetic diseases. Last evaluated: 2025-06-10. Review status: criteria provided, single submitter. Criteria: Ambry Variant Classification Scheme 2023. Collection method: clinical testing. Allele origin: germline.

NM_020779.4(WDR35):c.2779C>T (p.Arg927Trp)

Gene: WDR35 (WD repeat domain 35; minus strand). Cytogenetic location: 2p24.1.
Variant type: single nucleotide variant.
Coding change: c.2779C>T on transcript NM_020779.4 (MANE Select); coding-DNA position 2779, C replaced by T.
Protein change: p.Arg927Trp; replaces arginine 927 with tryptophan.
Molecular consequence: missense variant.
Genome position (GRCh38, 1-based): chr2:19,932,327, G>A on the plus strand (C>T on the coding strand, the complement: WDR35 is on the minus strand). VCF-style: chr2-19932327-G-A. GRCh37 (hg19) VCF-style: chr2-20132088-G-A.
Other names: c.2812C>T, p.Arg938Trp (NM_001006657.2); c.2812C>T (NM_001006657.1); short protein forms R927W, R938W.
Identifiers: ClinVar variation 1431548 (VCV001431548.7), dbSNP rs149815363, ClinGen allele CA1542844.